The following is an entry in ClinVar:

ClinVar aggregate classification (germline): Uncertain significance (1 of 4 stars; one submission).

Conditions:
Paroxysmal nonkinesigenic dyskinesia. Also called: Paroxysmal non-kinesigenic dyskinesia. Identifiers: Orphanet 98810, MedGen C1869117, MONDO:0700088.

Allele frequency attached by ClinVar (database versions not stated): ExAC 0.00001; gnomAD 0.00001; gnomAD exomes 0.00001; TOPMed 0.00001; ESP Exome Variant Server 0.00008.
gnomAD v4.1: 19 of 1,614,082 alleles (0.0012%); highest among the groups gnomAD compares: Non-Finnish European, 0.0014%; no homozygotes.

Submission:

Labcorp Genetics (formerly Invitae), Labcorp
Classification: Uncertain significance for Paroxysmal nonkinesigenic dyskinesia. Last evaluated: 2026-01-24. Review status: criteria provided, single submitter. Criteria: Invitae Variant Classification Sherloc (09022015). Collection method: clinical testing. Allele origin: germline.
Comment: This sequence change replaces proline, which is neutral and non-polar, with leucine, which is neutral and non-polar, at codon 58 of the PNKD protein (p.Pro58Leu). This variant is present in population databases (rs376689739, gnomAD 0.0009%). This variant has not been reported in the literature in individuals affected with PNKD-related conditions. ClinVar contains an entry for this variant (Variation ID: 1051469). An algorithm developed to predict the effect of missense changes on protein structure and function (PolyPhen-2) suggests that this variant is likely to be disruptive. In summary, the available evidence is currently insufficient to determine the role of this variant in disease. Therefore, it has been classified as a Variant of Uncertain Significance.

NM_015488.5(PNKD):c.173C>T (p.Pro58Leu)

Gene: PNKD (PNKD metallo-beta-lactamase domain containing; plus strand). Cytogenetic location: 2q35.
Variant type: single nucleotide variant.
Coding change: c.173C>T on transcript NM_015488.5 (MANE Select); coding-DNA position 173, C replaced by T.
Protein change: p.Pro58Leu; replaces proline 58 with leucine.
Molecular consequence: missense variant.
Genome position (GRCh38, 1-based): chr2:218,271,486, C>T. VCF-style: chr2-218271486-C-T. GRCh37 (hg19) VCF-style: chr2-219136209-C-T.
Other names: c.173C>T, p.Pro58Leu (NM_001077399.3); short protein forms P58L.
Identifiers: ClinVar variation 1051469 (VCV001051469.10), dbSNP rs376689739, ClinGen allele CA2103260.